The following is an entry in ClinVar:

NM_000489.6(ATRX):c.2149C>T (p.Pro717Ser)

Gene: ATRX (ATRX chromatin remodeler; minus strand). Cytogenetic location: Xq21.1.
Variant type: single nucleotide variant.
Coding change: c.2149C>T on transcript NM_000489.6 (MANE Select); coding-DNA position 2149, C replaced by T.
Protein change: p.Pro717Ser; replaces proline 717 with serine.
Molecular consequence: missense variant.
Genome position (GRCh38, 1-based): chrX:77,683,107, G>A on the plus strand (C>T on the coding strand, the complement: ATRX is on the minus strand). VCF-style: chrX-77683107-G-A. GRCh37 (hg19) VCF-style: chrX-76938599-G-A.
Other names: c.2035C>T, p.Pro679Ser (NM_138270.5); short protein forms P679S, P717S.
Identifiers: ClinVar variation 4801112 (VCV004801112.1).
Genomic context (GRCh38, chrX:77,683,107, plus strand): 5'-TTGCTAGCATTTCATCAGAATCTGAATTTTGATCCACAGTCTCTGATTGCTTAGATTTTG[G>A]CAATTTATTAGGCTTAGGATTATCTATAGCACTGTCAGAAGAATTACGCTTATCCTTTTT-3'
Protein context (NP_000480.3, residues 707-727): AIDNPKPNKL[Pro717Ser]KSKQSETVDQ

ClinVar aggregate classification (germline): Uncertain significance (1 of 4 stars; one submission).

Conditions:
Alpha thalassemia-X-linked intellectual disability syndrome (ATRX). Also called: ALPHA-THALASSEMIA/MENTAL RETARDATION SYNDROME, X-LINKED; ATR, NONDELETION TYPE; ATR-X syndrome; Alpha thalassemia mental retardation syndrome, nondeletion type, X-linked; XLMR hypotonic face syndrome; X-linked alpha-thalassemia-mental retardation syndrome. Identifiers: Orphanet 847, MedGen C1845055, MONDO:0010519, OMIM 301040.

Submission:

Labcorp Genetics (formerly Invitae), Labcorp
Classification: Uncertain significance for Alpha thalassemia-X-linked intellectual disability syndrome. Last evaluated: 2025-06-18. Review status: criteria provided, single submitter. Criteria: Invitae Variant Classification Sherloc (09022015). Collection method: clinical testing. Allele origin: germline.
Comment: This sequence change replaces proline, which is neutral and non-polar, with serine, which is neutral and polar, at codon 717 of the ATRX protein (p.Pro717Ser). This variant is not present in population databases (gnomAD no frequency). This variant has not been reported in the literature in individuals affected with ATRX-related conditions. Invitae Evidence Modeling of protein sequence and biophysical properties (such as structural, functional, and spatial information, amino acid conservation, physicochemical variation, residue mobility, and thermodynamic stability) indicates that this missense variant is not expected to disrupt ATRX protein function with a negative predictive value of 95%. In summary, the available evidence is currently insufficient to determine the role of this variant in disease. Therefore, it has been classified as a Variant of Uncertain Significance.